The following is an entry in ClinVar:

ClinVar aggregate classification (germline): Likely pathogenic (0 of 4 stars; one submission).

Conditions:
SHANK2-related disorder.

Submission:

PreventionGenetics, part of Exact Sciences
Classification: Likely pathogenic for SHANK2-related condition. Last evaluated: 2024-06-13. Review status: no assertion criteria provided. Collection method: clinical testing. Allele origin: germline.
Comment: The SHANK2 c.3211delA variant is predicted to result in a frameshift and premature protein termination (p.Ser1071Alafs*2). To our knowledge, this variant has not been reported in the literature or in a large population database, indicating this variant is rare. Frameshift variants in SHANK2 are expected to be pathogenic. This variant is interpreted as likely pathogenic.

NM_012309.5(SHANK2):c.3211del (p.Ser1071fs)

Gene: SHANK2 (SH3 and multiple ankyrin repeat domains 2; minus strand). Cytogenetic location: 11q13.3.
Variant type: Deletion.
Coding change: c.3211del on transcript NM_012309.5 (MANE Select); coding-DNA position 3211, one base deleted (A; older notation c.3211delA).
Protein change: p.Ser1071fs; shifts the reading frame from serine 1071.
Molecular consequence: frameshift variant.
Genome position (GRCh38, 1-based): chr11:70,487,082, T deleted on the plus strand (A on the coding strand, the reverse complement: SHANK2 is on the minus strand); the first of 3 consecutive T bases (chr11:70,487,082-70,487,084); deleting any one gives the same sequence. VCF-style (leftmost placement, unchanged base first): chr11-70487081-CT-C. GRCh37 (hg19) VCF-style: chr11-70333186-CT-C.
Other names: c.2074del, p.Ser692fs (NM_001379226.1); c.1447del, p.Ser483fs (NM_133266.5); short protein forms S1071fs, S483fs, S692fs.
Identifiers: ClinVar variation 3347357 (VCV003347357.1).